The following is an entry in ClinVar:

NM_004415.4(DSP):c.8272G>A (p.Gly2758Ser)

Gene: DSP (desmoplakin; plus strand). Cytogenetic location: 6p24.3.
Variant type: single nucleotide variant.
Coding change: c.8272G>A on transcript NM_004415.4 (MANE Select); coding-DNA position 8272, G replaced by A.
Protein change: p.Gly2758Ser; replaces glycine 2758 with serine.
Molecular consequence: missense variant.
Genome position (GRCh38, 1-based): chr6:7,585,534, G>A. VCF-style: chr6-7585534-G-A. GRCh37 (hg19) VCF-style: chr6-7585767-G-A.
Other names: c.6475G>A, p.Gly2159Ser (NM_001008844.3); c.6943G>A, p.Gly2315Ser (NM_001319034.2); short protein forms G2758S, G2159S, G2315S.
Identifiers: ClinVar variation 1923314 (VCV001923314.5), dbSNP rs1759631547, ClinGen allele CA362694810.
Genomic context (GRCh38, chr6:7,585,534, plus strand): 5'-GACCCGGAAGTGCATGGGAGGATAAGCACCGAAGAAGCCATCCGGAAGGGGTTCATAGAT[G>A]GCCGCGCCGCACAGAGGCTGCAAGACACCAGCAGCTATGCCAAAATCCTGACCTGCCCCA-3'
Protein context (NP_004406.2, residues 2748-2768): EEAIRKGFID[Gly2758Ser]RAAQRLQDTS

ClinVar aggregate classification (germline): Uncertain significance. Review status: criteria provided, multiple submitters, no conflicts (2 of 4 stars). 2 submissions from 2 submitters: Uncertain significance (2). Last evaluated 2024-08-21.

Conditions:
Arrhythmogenic cardiomyopathy with wooly hair and keratoderma. Also called: Arrhythmogenic cardiomyopathy with woolly hair and keratoderma; PALMOPLANTAR KERATODERMA WITH LEFT VENTRICULAR CARDIOMYOPATHY AND WOOLLY HAIR; Dilated cardiomyopathy with woolly hair and keratoderma; Carvajal syndrome. Identifiers: Orphanet 65282, MedGen C1854063, MONDO:0011581, OMIM 605676.
Arrhythmogenic right ventricular dysplasia 8 (ARVD8). Also called: Arrhythmogenic Right Ventricular Dysplasia/Cardiomyopathy 8; ARRHYTHMOGENIC RIGHT VENTRICULAR CARDIOMYOPATHY 8; ARRHYTHMOGENIC RIGHT VENTRICULAR DYSPLASIA, FAMILIAL, 8. Identifiers: MedGen C1843896, MONDO:0011831, OMIM 607450.

Allele frequency attached by ClinVar (database versions not stated): TOPMed 0.00001.

Submissions (2):

GeneDx
Classification: Uncertain significance. Last evaluated: 2024-08-21. Review status: criteria provided, single submitter. Criteria: GeneDx Variant Classification Process June 2021. Collection method: clinical testing. Allele origin: germline. Affected: yes.
Comment: Not observed at significant frequency in large population cohorts (gnomAD); In silico analysis indicates that this missense variant does not alter protein structure/function; Has not been previously published as pathogenic or benign to our knowledge

Labcorp Genetics (formerly Invitae), Labcorp
Classification: Uncertain significance for Arrhythmogenic cardiomyopathy with wooly hair and keratoderma; Arrhythmogenic right ventricular dysplasia 8. Last evaluated: 2022-10-18. Review status: criteria provided, single submitter. Criteria: Invitae Variant Classification Sherloc (09022015). Collection method: clinical testing. Allele origin: germline.
Comment: Algorithms developed to predict the effect of missense changes on protein structure and function are either unavailable or do not agree on the potential impact of this missense change (SIFT: "Tolerated"; PolyPhen-2: "Probably Damaging"; Align-GVGD: "Class C0"). In summary, the available evidence is currently insufficient to determine the role of this variant in disease. Therefore, it has been classified as a Variant of Uncertain Significance. This variant has not been reported in the literature in individuals affected with DSP-related conditions. This variant is not present in population databases (gnomAD no frequency). This sequence change replaces glycine, which is neutral and non-polar, with serine, which is neutral and polar, at codon 2758 of the DSP protein (p.Gly2758Ser).